The following is an entry in ClinVar:

ClinVar aggregate classification (germline): Uncertain significance (1 of 4 stars; one submission).

Conditions:
Inborn genetic diseases. Identifiers: MedGen C0950123, MeSH D030342.

Submission:

Ambry Genetics
Classification: Uncertain significance for Inborn genetic diseases. Last evaluated: 2026-03-02. Review status: criteria provided, single submitter. Criteria: Ambry Variant Classification Scheme 2023. Collection method: clinical testing. Allele origin: germline.
Comment: The p.P479L variant (also known as c.1436C>T), located in coding exon 8 of the RUNX1 gene, results from a C to T substitution at nucleotide position 1436. The proline at codon 479 is replaced by leucine, an amino acid with similar properties. This amino acid position is conserved. In addition, this alteration is predicted to be deleterious by in silico analysis. Based on the available evidence, the clinical significance of this variant remains unclear.

NM_001754.5(RUNX1):c.1436C>T (p.Pro479Leu)

Gene: RUNX1 (RUNX family transcription factor 1; minus strand). Cytogenetic location: 21q22.12.
Variant type: single nucleotide variant.
Coding change: c.1436C>T on transcript NM_001754.5 (MANE Select); coding-DNA position 1436, C replaced by T.
Protein change: p.Pro479Leu; replaces proline 479 with leucine.
Molecular consequence: missense variant.
Genome position (GRCh38, 1-based): chr21:34,792,142, G>A on the plus strand (C>T on the coding strand, the complement: RUNX1 is on the minus strand). VCF-style: chr21-34792142-G-A. GRCh37 (hg19) VCF-style: chr21-36164439-G-A.
Other names: c.1355C>T, p.Pro452Leu (NM_001001890.3); short protein forms P452L, P479L.
Identifiers: ClinVar variation 4827458 (VCV004827458.1).